The following is an entry in ClinVar:

NM_001348323.3(TRIP12):c.5382C>A (p.Gly1794=)

Gene: TRIP12 (thyroid hormone receptor interactor 12; minus strand). Cytogenetic location: 2q36.3.
Variant type: single nucleotide variant.
Coding change: c.5382C>A on transcript NM_001348323.3 (MANE Select); coding-DNA position 5382, C replaced by A.
Protein change: p.Gly1794=; no amino-acid change (glycine 1794 retained).
Molecular consequence: synonymous variant.
Genome position (GRCh38, 1-based): chr2:229,777,462, G>T on the plus strand (C>A on the coding strand, the complement: TRIP12 is on the minus strand). VCF-style: chr2-229777462-G-T. GRCh37 (hg19) VCF-style: chr2-230642178-G-T.
Other names: c.5301C>A, p.Gly1767= (NM_001284214.2, NM_001348315.2); c.5256C>A, p.Gly1752= (NM_001284215.2, NM_001348316.2); c.4347C>A, p.Gly1449= (NM_001284216.2); c.5241C>A, p.Gly1747= (NM_001348317.1, NM_001348318.2); c.5367C>A, p.Gly1789= (NM_001348319.1, NM_001348320.2); c.5370C>A, p.Gly1790= (NM_001348321.1); c.5382C>A, p.Gly1794= (NM_001348322.1, NM_001348324.2, NM_001348325.2 and 2 more transcripts); c.5385C>A, p.Gly1795= (NM_001348328.1, NM_001348329.2, NM_001348330.2); and 4 more.
Identifiers: ClinVar variation 2651973 (VCV002651973.25), dbSNP rs746485884, ClinGen allele CA2152329.

ClinVar aggregate classification (germline): Likely benign. Review status: criteria provided, multiple submitters, no conflicts (2 of 4 stars). 2 submissions from 2 submitters: Likely benign (2). Last evaluated 2024-11-25.

Allele frequency attached by ClinVar (database versions not stated): ExAC 0.00007.

Submissions (2):

Blueprint Genetics
Classification: Likely benign. Last evaluated: 2024-11-25. Review status: criteria provided, single submitter. Criteria: ACMG Guidelines, 2015. Collection method: clinical testing. Allele origin: germline.

CeGaT Center for Human Genetics Tuebingen
Classification: Likely benign. Last evaluated: 2024-03-01. Review status: criteria provided, single submitter. Criteria: CeGaT Center For Human Genetics Tuebingen Variant Classification Criteria Version 2. Collection method: clinical testing. Allele origin: germline. Affected: yes. Observed: 3 variant alleles.
Comment: TRIP12: BP4, BP7